The following is an entry in ClinVar:

ClinVar aggregate classification (germline): Uncertain significance (3 of 4 stars; one submission).

Conditions:
Phenylketonuria (PKU). Also called: Phenylketonurias; FOLLING DISEASE; Phenylketonuria (PKU); OLIGOPHRENIA PHENYLPYRUVICA. Identifiers: Orphanet 716, MedGen C0031485, MONDO:0009861, OMIM 261600. Disease mechanism: loss of function.

Submission:

ClinGen PAH Variant Curation Expert Panel
Classification: Uncertain significance for Phenylketonuria. Last evaluated: 2022-05-27. Review status: reviewed by expert panel. Criteria: ClinGen PAH ACMG Specifications v1. Collection method: curation. Allele origin: germline. Inheritance: Autosomal recessive inheritance.
Comment: This c.843-15_843-12del variant in PAH was reported in multiple Chinese patients with PAH deficiency (PMID: 26503515). The variant is referred to as ‘c.843-14_-11delCTTT’ in the paper. DHPR activity, biopterin and/or pteridine analysis was performed to rule out other causes of hyperphenylalaninemia. This variant is absent from the population databases ExAC and gnomAD. In silico models conflict on whether this variant breaks a splice donor site. In summary, this variant meets criteria to be classified as Uncertain Significance for PAH. PAH-specific ACMG/AMP criteria applied: PM2 and PP4_moderate.

NM_000277.3(PAH):c.843-13_843-10del

Genes: PAH (phenylalanine hydroxylase; minus strand), LOC126861615 (CDK7 strongly-dependent group 2 enhancer GRCh37_chr12:103244689-103245888; plus strand). Cytogenetic location: 12q23.2.
Variant type: Deletion.
Coding change: c.843-13_843-10del on transcript NM_000277.3 (MANE Select); 13 bases into the intron before coding-DNA position 843 through 10 bases into the intron before coding-DNA position 843, 4 bases deleted (TTCT; older notation c.843-13_843-10delTTCT).
Molecular consequence: intron variant.
Genome position (GRCh38, 1-based): chr12:102,851,766-102,851,769, AGAA deleted on the plus strand (TTCT on the coding strand, the reverse complement: PAH is on the minus strand); deleting any 4 consecutive bases within chr12:102,851,766-102,851,771 gives the same sequence; the c. name uses the placement nearest the transcript's 3' end. VCF-style (leftmost placement, unchanged base first): chr12-102851765-CAGAA-C. GRCh37 (hg19) VCF-style: chr12-103245543-CAGAA-C.
Other names: NM_000277.3:c.843-13_843-10del; c.843-13_843-10del (NM_001354304.2).
Identifiers: ClinVar variation 1693240 (VCV001693240.1), dbSNP rs2136645010, ClinGen allele CA915940209.